The following is an entry in ClinVar:

ClinVar aggregate classification (germline): conflicting data from submitters (0 of 4 stars; one submission).

Submission:

ISCA site 1
Classification: conflicting data from submitters. Last evaluated: 2013-04-04. Review status: no assertion criteria provided. Collection method: clinical testing. Allele origin: paternal, unknown, maternal. Affected: yes. Observed: 7 variant alleles. Clinical features observed: Developmental delay AND/OR other significant developmental or morphological phenotypes, Intellectual disability (HP:0001249), Short stature (HP:0004322), Abnormal renal morphology (HP:0000792), Abnormal facial shape (HP:0002260), obsolete Malformation of the heart and great vessels (HP:0002564), Schizophrenia (HP:0100753), Microcephaly (HP:0000252), Global developmental delay (HP:0001263), Hearing impairment (HP:0000365), Muscular hypotonia (HP:0001252), Premature birth (HP:0001622), and 1 more.
Comment: Uncertain significance(6), Likely benign (1)

Copy number variation identified through the course of routine clinical cytogenomic testing in postnatal populations, with clinical assertions as classified by the original submitter. For data from the original published study, Kaminsky, et al. 2011 (PubMed 21844811), please see nstd101.

GRCh38/hg38 2q13-14.1(chr2:110649261-112331529)x1

Genes: ACOXL (acyl-CoA oxidase like; plus strand), ACOXL-AS1 (ACOXL antisense RNA 1; minus strand), ANAPC1 (anaphase promoting complex subunit 1; minus strand), BCL2L11 (BCL2 like 11; plus strand), BUB1 (BUB1 mitotic checkpoint serine/threonine kinase; minus strand) and 47 more. Cytogenetic location: 2q13-14.1.
Variant type: copy number loss.
Change: copy number 1 (one copy instead of two) of chr2:110,649,261-112,331,529 (1.68 Mb, GRCh38 coordinates, 1-based), cytogenetic band 2q13-14.1.
Identifiers: ClinVar variation 148494 (VCV000148494.3).